The following is an entry in ClinVar:

ClinVar aggregate classification (germline): Uncertain significance (1 of 4 stars; one submission).

Conditions:
Beckwith-Wiedemann syndrome (BWS). Also called: Exomphalos macroglossia gigantism syndrome; EMG SYNDROME. Identifiers: Orphanet 116, MedGen C0004903, MONDO:0007534, OMIM 130650.

Submission:

Labcorp Genetics (formerly Invitae), Labcorp
Classification: Uncertain significance for Beckwith-Wiedemann syndrome. Last evaluated: 2023-12-11. Review status: criteria provided, single submitter. Criteria: Invitae Variant Classification Sherloc (09022015). Collection method: clinical testing. Allele origin: germline.
Comment: This variant, c.871_894del, results in the deletion of 8 amino acid(s) of the CDKN1C protein (p.Val291_Pro298del), but otherwise preserves the integrity of the reading frame. This variant is not present in population databases (gnomAD no frequency). This variant has not been reported in the literature in individuals affected with CDKN1C-related conditions. ClinVar contains an entry for this variant (Variation ID: 2014540). Experimental studies and prediction algorithms are not available or were not evaluated, and the functional significance of this variant is currently unknown. In summary, the available evidence is currently insufficient to determine the role of this variant in disease. Therefore, it has been classified as a Variant of Uncertain Significance.

NM_001122630.2(CDKN1C):c.838_861del (p.Val280_Pro287del)

Gene: CDKN1C (cyclin dependent kinase inhibitor 1C; minus strand). Cytogenetic location: 11p15.4.
Variant type: Deletion.
Coding change: c.838_861del on transcript NM_001122630.2 (MANE Select); coding-DNA positions 838 to 861, 24 bases deleted (GTCCCCGCGCCGTGTCCCTCTCCA).
Protein change: p.Val280_Pro287del.
Molecular consequence: inframe deletion. On other transcripts: inframe indel (1).
Genome position (GRCh38, 1-based): chr11:2,884,061-2,884,084, TGGAGAGGGACACGGCGCGGGGAC deleted on the plus strand (GTCCCCGCGCCGTGTCCCTCTCCA on the coding strand, the reverse complement: CDKN1C is on the minus strand). VCF-style (leftmost placement, unchanged base first): chr11-2884060-TTGGAGAGGGACACGGCGCGGGGAC-T. GRCh37 (hg19) VCF-style: chr11-2905290-TTGGAGAGGGACACGGCGCGGGGAC-T.
Other names: c.871_894del, p.Val291_Pro298del (NM_000076.2, NM_001362474.2); c.838_861del, p.Val280_Pro287del (NM_001122631.2); c.306_329del, p.Met102_Gln110delinsIle (NM_001362475.2).
Identifiers: ClinVar variation 2014540 (VCV002014540.4), dbSNP rs2494379786, ClinGen allele CA2580082634.